The following is an entry in ClinVar:

ClinVar aggregate classification (germline): Uncertain significance (1 of 4 stars; one submission).

Conditions:
Joubert syndrome 21 (JBTS21). Identifiers: MedGen C3810212, MONDO:0014288, OMIM 615636.

gnomAD v4.1: 1 of 1,605,334 alleles (0.000062%); no homozygotes.

Submission:

Labcorp Genetics (formerly Invitae), Labcorp
Classification: Uncertain significance for Joubert syndrome 21. Last evaluated: 2022-06-09. Review status: criteria provided, single submitter. Criteria: Invitae Variant Classification Sherloc (09022015). Collection method: clinical testing. Allele origin: germline.
Comment: In summary, the available evidence is currently insufficient to determine the role of this variant in disease. Therefore, it has been classified as a Variant of Uncertain Significance. Algorithms developed to predict the effect of missense changes on protein structure and function are either unavailable or do not agree on the potential impact of this missense change (SIFT: "Deleterious"; PolyPhen-2: "Benign"; Align-GVGD: "Class C0"). This variant has not been reported in the literature in individuals affected with CSPP1-related conditions. This variant is not present in population databases (gnomAD no frequency). This sequence change replaces threonine, which is neutral and polar, with alanine, which is neutral and non-polar, at codon 725 of the CSPP1 protein (p.Thr725Ala).

NM_001382391.1(CSPP1):c.2188A>G (p.Thr730Ala)

Gene: CSPP1 (centrosome and spindle pole associated protein 1; plus strand). Cytogenetic location: 8q13.2.
Variant type: single nucleotide variant.
Coding change: c.2188A>G on transcript NM_001382391.1 (MANE Select); coding-DNA position 2188, A replaced by G.
Protein change: p.Thr730Ala; replaces threonine 730 with alanine.
Molecular consequence: missense variant.
Genome position (GRCh38, 1-based): chr8:67,154,083, A>G. VCF-style: chr8-67154083-A-G. GRCh37 (hg19) VCF-style: chr8-68066318-A-G.
Other names: c.1138A>G, p.Thr380Ala (NM_001291339.2); c.2107A>G, p.Thr703Ala (NM_001363131.2); c.1993A>G, p.Thr665Ala (NM_001363132.2); c.1912A>G, p.Thr638Ala (NM_001363133.2); c.2254A>G, p.Thr752Ala (NM_001364869.1); c.2074A>G, p.Thr692Ala (NM_001364870.1); c.2173A>G, p.Thr725Ala (NM_024790.7); short protein forms T725A, T665A, T703A, T752A, T380A, T692A, T730A, T638A.
Identifiers: ClinVar variation 2000222 (VCV002000222.4), dbSNP rs2489534116, ClinGen allele CA371187878.